The following is an entry in ClinVar:

NC_000001.10:g.(196759358_196762446)_(196764538_?)del

Gene: CFHR3 (complement factor H related 3; plus strand). Cytogenetic location: 1q31.3.
Variant type: Deletion.
Identifiers: ClinVar variation 4536964 (VCV004536964.1).

ClinVar aggregate classification (germline): Uncertain significance (1 of 4 stars; one submission).

Submission:

Women's Health and Genetics/Laboratory Corporation of America, LabCorp
Classification: Uncertain significance. Last evaluated: 2025-11-07. Review status: criteria provided, single submitter. Criteria: LabCorp Variant Classification Summary - May 2015. Collection method: clinical testing. Allele origin: germline.
Comment: Variant summary: The variant involves the deletion of exon 6 in the CFHR3 gene. A presumed nomenclature of c.(796+1_797-1)_(*1895_?)del has been designated for the purposes of this classification. The exact breakpoint at the distal 3' end of this variant is unknown, therefore this deletion may extend downstream of the annotated region of the gene. As it encompasses the termination codon, it is predicted to escape nonsense mediated decay (NMD). Current evidence is not sufficient to establish loss of function as a mechanism for disease. A deletion matching exon 6 in the CFHR3 gene was found at a frequency of 0.0011 in 19724 control chromosomes in the gnomAD database (Structural Variants v2.1 dataset). This frequency is not significantly higher than estimated for disease-causing variants in CFHR3, allowing no conclusion about variant significance. To our knowledge, no occurrence of c.(796+1_797-1)_(*1895_?)del in individuals affected with CFHR3-related conditions and no experimental evidence demonstrating its impact on protein function have been reported. No submitters have cited clinical-significance assessments for this variant to ClinVar. Based on the evidence outlined above, the variant was classified as uncertain significance.